The following is an entry in ClinVar:

NM_001171.6(ABCC6):c.3976G>A (p.Asp1326Asn)

Gene: ABCC6 (ATP binding cassette subfamily C member 6; minus strand). Cytogenetic location: 16p13.11.
Variant type: single nucleotide variant.
Coding change: c.3976G>A on transcript NM_001171.6 (MANE Select); coding-DNA position 3976, G replaced by A.
Protein change: p.Asp1326Asn; replaces aspartic acid 1326 with asparagine.
Molecular consequence: missense variant. On other transcripts: non-coding transcript variant (1).
Genome position (GRCh38, 1-based): chr16:16,154,938, C>T on the plus strand (G>A on the coding strand, the complement: ABCC6 is on the minus strand). VCF-style: chr16-16154938-C-T. GRCh37 (hg19) VCF-style: chr16-16248795-C-T.
Other names: c.3634G>A, p.Asp1212Asn (NM_001351800.1); short protein forms D1326N, D1212N.
Identifiers: ClinVar variation 2137789 (VCV002137789.4), dbSNP rs766105758, ClinGen allele CA7925364.

ClinVar aggregate classification (germline): Uncertain significance (1 of 4 stars; one submission).

Allele frequency attached by ClinVar (database versions not stated): TOPMed below 0.00001; gnomAD 0.00001; gnomAD exomes 0.00001; ExAC 0.00002.
gnomAD v4.1: 23 of 1,598,382 alleles (0.0014%); highest among the groups gnomAD compares: East Asian, 0.0023%; no homozygotes.

Submission:

Labcorp Genetics (formerly Invitae), Labcorp
Classification: Uncertain significance. Last evaluated: 2025-06-02. Review status: criteria provided, single submitter. Criteria: Invitae Variant Classification Sherloc (09022015). Collection method: clinical testing. Allele origin: germline.
Comment: This sequence change replaces aspartic acid, which is acidic and polar, with asparagine, which is neutral and polar, at codon 1326 of the ABCC6 protein (p.Asp1326Asn). The frequency data for this variant in the population databases is considered unreliable, as metrics indicate poor data quality at this position in the gnomAD database. This missense change has been observed in individual(s) with pseudoxanthoma elasticum (PMID: 15727254). This variant is also known as 3999G>A. ClinVar contains an entry for this variant (Variation ID: 2137789). Invitae Evidence Modeling of protein sequence and biophysical properties (such as structural, functional, and spatial information, amino acid conservation, physicochemical variation, residue mobility, and thermodynamic stability) indicates that this missense variant is expected to disrupt ABCC6 protein function with a positive predictive value of 95%. In summary, the available evidence is currently insufficient to determine the role of this variant in disease. Therefore, it has been classified as a Variant of Uncertain Significance.

Literature cited by the submitters: PubMed 15727254.